The following is an entry in ClinVar:

NM_000426.4(LAMA2):c.442C>G (p.Arg148Gly)

Gene: LAMA2 (laminin subunit alpha 2; plus strand). Cytogenetic location: 6q22.33.
Variant type: single nucleotide variant.
Coding change: c.442C>G on transcript NM_000426.4 (MANE Select); coding-DNA position 442, C replaced by G.
Protein change: p.Arg148Gly; replaces arginine 148 with glycine.
Molecular consequence: missense variant.
Genome position (GRCh38, 1-based): chr6:129,098,218, C>G. VCF-style: chr6-129098218-C-G. GRCh37 (hg19) VCF-style: chr6-129419363-C-G.
Other names: c.442C>G, p.Arg148Gly (NM_001079823.2); short protein forms R148G.
Identifiers: ClinVar variation 3251721 (VCV003251721.1), dbSNP rs752485547.

ClinVar aggregate classification (germline): Uncertain significance (1 of 4 stars; one submission).

gnomAD v4.1: 2 of 1,614,022 alleles (0.00012%); highest among the groups gnomAD compares: Non-Finnish European, 0.00017%; no homozygotes.

Submission:

Women's Health and Genetics/Laboratory Corporation of America, LabCorp
Classification: Uncertain significance. Last evaluated: 2024-04-24. Review status: criteria provided, single submitter. Criteria: LabCorp Variant Classification Summary - May 2015. Collection method: clinical testing. Allele origin: germline.
Comment: Variant summary: LAMA2 c.442C>G (p.Arg148Gly) results in a non-conservative amino acid change located in the laminin, N-terminal (IPR008211) of the encoded protein sequence. Five of five in-silico tools predict a damaging effect of the variant on protein function. The variant was absent in 251462 control chromosomes. The available data on variant occurrences in the general population are insufficient to allow any conclusion about variant significance. To our knowledge, no occurrence of c.442C>G in individuals affected with Laminin Alpha 2-Related Dystrophy and no experimental evidence demonstrating its impact on protein function have been reported. No submitters have cited clinical-significance assessments for this variant to ClinVar. Based on the evidence outlined above, the variant was classified as uncertain significance.